The following is an entry in ClinVar:

NM_001382430.1(AKT1):c.430C>T (p.Arg144Cys)

Gene: AKT1 (AKT serine/threonine kinase 1; minus strand). Cytogenetic location: 14q32.33.
Variant type: single nucleotide variant.
Coding change: c.430C>T on transcript NM_001382430.1 (MANE Select); coding-DNA position 430, C replaced by T.
Protein change: p.Arg144Cys; replaces arginine 144 with cysteine.
Molecular consequence: missense variant.
Genome position (GRCh38, 1-based): chr14:104,775,657, G>A on the plus strand (C>T on the coding strand, the complement: AKT1 is on the minus strand). VCF-style: chr14-104775657-G-A. GRCh37 (hg19) VCF-style: chr14-105241994-G-A.
Other names: c.430C>T, p.Arg144Cys (NM_001014431.2, NM_001014432.2, NM_001382431.1 and 3 more transcripts); short protein forms R144C.
Identifiers: ClinVar variation 580799 (VCV000580799.9), dbSNP rs375990114, ClinGen allele CA7374801.

ClinVar aggregate classification (germline): Uncertain significance (1 of 4 stars; one submission).

Conditions:
Cowden syndrome 6 (CWS6). Identifiers: Orphanet 201, MedGen C3554519, MONDO:0014048, OMIM 615109.

Allele frequency attached by ClinVar (database versions not stated): gnomAD 0.00001; TOPMed 0.00001; ExAC 0.00002; ESP Exome Variant Server 0.00008.
gnomAD v4.1: 38 of 1,613,706 alleles (0.0024%); highest among the groups gnomAD compares: South Asian, 0.0088%; no homozygotes.

Submission:

Labcorp Genetics (formerly Invitae), Labcorp
Classification: Uncertain significance for Cowden syndrome 6. Last evaluated: 2025-11-10. Review status: criteria provided, single submitter. Criteria: Invitae Variant Classification Sherloc (09022015). Collection method: clinical testing. Allele origin: germline.
Comment: This sequence change replaces arginine, which is basic and polar, with cysteine, which is neutral and slightly polar, at codon 144 of the AKT1 protein (p.Arg144Cys). This variant is present in population databases (rs375990114, gnomAD 0.003%). This variant has not been reported in the literature in individuals affected with AKT1-related conditions. ClinVar contains an entry for this variant (Variation ID: 580799). An algorithm developed to predict the effect of missense changes on protein structure and function (PolyPhen-2) suggests that this variant is likely to be tolerated. In summary, the available evidence is currently insufficient to determine the role of this variant in disease. Therefore, it has been classified as a Variant of Uncertain Significance.